The following is an entry in ClinVar:

NM_016169.4(SUFU):c.1190A>G (p.Tyr397Cys)

Gene: SUFU (SUFU negative regulator of hedgehog signaling; plus strand). Cytogenetic location: 10q24.32.
Variant type: single nucleotide variant.
Coding change: c.1190A>G on transcript NM_016169.4 (MANE Select); coding-DNA position 1190, A replaced by G.
Protein change: p.Tyr397Cys; replaces tyrosine 397 with cysteine.
Molecular consequence: missense variant.
Genome position (GRCh38, 1-based): chr10:102,617,322, A>G. VCF-style: chr10-102617322-A-G. GRCh37 (hg19) VCF-style: chr10-104377079-A-G.
Other names: c.1190A>G, p.Tyr397Cys (NM_001178133.2); short protein forms Y397C.
Identifiers: ClinVar variation 1014663 (VCV001014663.10), dbSNP rs766508656, ClinGen allele CA5667899.

ClinVar aggregate classification (germline): Conflicting classifications of pathogenicity. Review status: criteria provided, conflicting classifications (1 of 4 stars). 2 submissions from 2 submitters: Uncertain significance (1); Likely benign (1). Last evaluated 2026-01-16.

Conditions:
Hereditary cancer-predisposing syndrome. Also called: Tumor predisposition; Hereditary Cancer Syndrome; Neoplastic Syndromes, Hereditary; Hereditary neoplastic syndrome. Identifiers: Orphanet 140162, MedGen C0027672, MeSH D009386, MONDO:0015356.
Medulloblastoma (MDB). Also called: MEDULLOBLASTOMA PREDISPOSITION SYNDROME; Medulloblastoma, somatic. Identifiers: Orphanet 616, MedGen C0025149, MeSH D008527, MONDO:0007959, OMIM 155255, HP:0002885.
Gorlin syndrome. Also called: Nevoid Basal Cell Carcinoma Syndrome; Basal cell nevus syndrome. Identifiers: Orphanet 377, MedGen C0004779, MONDO:0007187.

Allele frequency attached by ClinVar (database versions not stated): gnomAD exomes below 0.00001 and 0.00001; ExAC 0.00002; gnomAD 0.00002; TOPMed 0.00002.
gnomAD v4.1: 4 of 1,614,088 alleles (0.00025%); highest among the groups gnomAD compares: African/African-American, 0.0053%; no homozygotes.

Submissions (2):

Labcorp Genetics (formerly Invitae), Labcorp
Classification: Uncertain significance for Gorlin syndrome; Medulloblastoma. Last evaluated: 2026-01-16. Review status: criteria provided, single submitter. Criteria: Invitae Variant Classification Sherloc (09022015). Collection method: clinical testing. Allele origin: germline.
Comment: This sequence change replaces tyrosine, which is neutral and polar, with cysteine, which is neutral and slightly polar, at codon 397 of the SUFU protein (p.Tyr397Cys). This variant is present in population databases (rs766508656, gnomAD 0.02%). This variant has not been reported in the literature in individuals affected with SUFU-related conditions. ClinVar contains an entry for this variant (Variation ID: 1014663). Invitae Evidence Modeling of protein sequence and biophysical properties (such as structural, functional, and spatial information, amino acid conservation, physicochemical variation, residue mobility, and thermodynamic stability) indicates that this missense variant is not expected to disrupt SUFU protein function with a negative predictive value of 80%. In summary, the available evidence is currently insufficient to determine the role of this variant in disease. Therefore, it has been classified as a Variant of Uncertain Significance.

Ambry Genetics
Classification: Likely benign for Hereditary cancer-predisposing syndrome. Last evaluated: 2025-09-04. Review status: criteria provided, single submitter. Criteria: Ambry Variant Classification Scheme 2023. Collection method: clinical testing. Allele origin: germline.